The following is an entry in ClinVar:

ClinVar aggregate classification (germline): Conflicting classifications of pathogenicity. Review status: criteria provided, conflicting classifications (1 of 4 stars). 3 submissions from 3 submitters: Uncertain significance (2); Likely benign (1). Last evaluated 2024-07-06.

Conditions:
Hereditary cancer-predisposing syndrome. Also called: Neoplastic Syndromes, Hereditary; Tumor predisposition; Hereditary Cancer Syndrome; Hereditary neoplastic syndrome. Identifiers: Orphanet 140162, MedGen C0027672, MeSH D009386, MONDO:0015356.
Hereditary breast ovarian cancer syndrome. Also called: Hereditary breast and ovarian cancer; Hereditary breast and ovarian cancer syndrome; Breast and ovarian cancer; Hereditary breast and/or ovarian cancer syndrome; BRCA1- and BRCA2-Associated Hereditary Breast and Ovarian Cancer; Hereditary breast and ovarian cancer syndrome (HBOC). Identifiers: Orphanet 145, MedGen C0677776, MeSH D061325, MONDO:0003582. Disease mechanism: loss of function.

Allele frequency attached by ClinVar (database versions not stated): ExAC 0.00001; gnomAD 0.00001.
gnomAD v4.1: 1 of 1,613,960 alleles (0.000062%); highest among the groups gnomAD compares: East Asian, 0.0022%; no homozygotes.

Submissions (3):

Labcorp Genetics (formerly Invitae), Labcorp
Classification: Uncertain significance for Hereditary breast ovarian cancer syndrome. Last evaluated: 2024-07-06. Review status: criteria provided, single submitter. Criteria: Invitae Variant Classification Sherloc (09022015). Collection method: clinical testing. Allele origin: germline.
Comment: This sequence change replaces isoleucine, which is neutral and non-polar, with valine, which is neutral and non-polar, at codon 650 of the BRCA1 protein (p.Ile650Val). This variant is present in population databases (rs749896277, gnomAD 0.006%). This variant has not been reported in the literature in individuals affected with BRCA1-related conditions. ClinVar contains an entry for this variant (Variation ID: 1783156). Advanced modeling of protein sequence and biophysical properties (such as structural, functional, and spatial information, amino acid conservation, physicochemical variation, residue mobility, and thermodynamic stability) performed at Invitae indicates that this missense variant is not expected to disrupt BRCA1 protein function with a negative predictive value of 95%. In summary, the available evidence is currently insufficient to determine the role of this variant in disease. Therefore, it has been classified as a Variant of Uncertain Significance.

University of Washington Department of Laboratory Medicine, University of Washington
Classification: Likely benign for Hereditary cancer-predisposing syndrome. Last evaluated: 2023-03-23. Review status: criteria provided, single submitter. Criteria: Dines et al. (Genet Med. 2020). Collection method: curation. Allele origin: germline.
Comment: Missense variant in a coldspot region where missense variants are very unlikely to be pathogenic (PMID:31911673).

BRCA1 coldspot (exon 11 using historical exon numbering). Reclassification based on statistical prior probability

Ambry Genetics
Classification: Uncertain significance for Hereditary cancer-predisposing syndrome. Last evaluated: 2021-04-20. Review status: criteria provided, single submitter. Criteria: Ambry Variant Classification Scheme 2023. Collection method: clinical testing. Allele origin: germline.
Comment: The p.I650V variant (also known as c.1948A>G), located in coding exon 9 of the BRCA1 gene, results from an A to G substitution at nucleotide position 1948. The isoleucine at codon 650 is replaced by valine, an amino acid with highly similar properties. This amino acid position is poorly conserved in available vertebrate species. In addition, this alteration is predicted to be tolerated by in silico analysis. Since supporting evidence is limited at this time, the clinical significance of this alteration remains unclear.

NM_007294.4(BRCA1):c.1948A>G (p.Ile650Val)

Gene: BRCA1 (BRCA1 DNA repair associated; minus strand). Cytogenetic location: 17q21.31.
Variant type: single nucleotide variant.
Coding change: c.1948A>G on transcript NM_007294.4 (MANE Select); coding-DNA position 1948, A replaced by G.
Protein change: p.Ile650Val; replaces isoleucine 650 with valine.
Molecular consequence: missense variant. On other transcripts: intron variant (137).
Genome position (GRCh38, 1-based): chr17:43,093,583, T>C on the plus strand (A>G on the coding strand, the complement: BRCA1 is on the minus strand). VCF-style: chr17-43093583-T-C. GRCh37 (hg19) VCF-style: chr17-41245600-T-C.
Other names: c.1735A>G, p.Ile579Val (NM_001407571.1, NM_001407853.1, NM_001407894.1 and 9 more transcripts); c.1948A>G, p.Ile650Val (NM_001407581.1, NM_001407582.1, NM_001407583.1 and 30 more transcripts); c.1945A>G, p.Ile649Val (NM_001407587.1, NM_001407590.1, NM_001407591.1 and 22 more transcripts); c.1939A>G, p.Ile647Val (NM_001407646.1, NM_001407647.1); c.1825A>G, p.Ile609Val (NM_001407648.1, NM_001407664.1, NM_001407665.1 and 19 more transcripts); c.1822A>G, p.Ile608Val (NM_001407649.1, NM_001407670.1, NM_001407671.1 and 11 more transcripts); c.1870A>G, p.Ile624Val (NM_001407653.1, NM_001407654.1, NM_001407655.1 and 4 more transcripts); c.1867A>G, p.Ile623Val (NM_001407659.1, NM_001407660.1, NM_001407661.1 and 1 more transcripts); and 40 more; short protein forms I354V, I482V, I579V, I583V, I623V, I624V, I650V, I562V.
Identifiers: ClinVar variation 1783156 (VCV001783156.6), dbSNP rs749896277, ClinGen allele CA057652.